The following is an entry in ClinVar:

NM_032444.4(SLX4):c.4171G>A (p.Glu1391Lys)

Gene: SLX4 (SLX4 structure-specific endonuclease subunit; minus strand). Cytogenetic location: 16p13.3.
Variant type: single nucleotide variant.
Coding change: c.4171G>A on transcript NM_032444.4 (MANE Select); coding-DNA position 4171, G replaced by A.
Protein change: p.Glu1391Lys; replaces glutamic acid 1391 with lysine.
Molecular consequence: missense variant.
Genome position (GRCh38, 1-based): chr16:3,589,467, C>T on the plus strand (G>A on the coding strand, the complement: SLX4 is on the minus strand). VCF-style: chr16-3589467-C-T. GRCh37 (hg19) VCF-style: chr16-3639468-C-T.
Other names: short protein forms E1391K.
Identifiers: ClinVar variation 1904387 (VCV001904387.5), dbSNP rs2548211457, ClinGen allele CA394518283.
Genomic context (GRCh38, chr16:3,589,467, plus strand): 5'-TGTTGGCCTGATGGGAGGCCACCTCCTGCTCATCGTCACTGTCTCCGACTTCCACCACTT[C>T]ACCCGCTGGGGTCTGGTTCAGGAAGCTTGGCCCAGGCGGCGAGTGTTTCAGGAACCGCCT-3'
Protein context (NP_115820.2, residues 1381-1401): PSFLNQTPAG[Glu1391Lys]VVEVGDSDDE

ClinVar aggregate classification (germline): Uncertain significance (1 of 4 stars; one submission).

Conditions:
Fanconi anemia (FA). Also called: Fanconi's anemia. Identifiers: Orphanet 84, MedGen C0015625, MeSH D005199, MONDO:0019391.

Submission:

Labcorp Genetics (formerly Invitae), Labcorp
Classification: Uncertain significance for Fanconi anemia. Last evaluated: 2022-04-25. Review status: criteria provided, single submitter. Criteria: Invitae Variant Classification Sherloc (09022015). Collection method: clinical testing. Allele origin: germline.
Comment: This variant is not present in population databases (gnomAD no frequency). This sequence change replaces glutamic acid, which is acidic and polar, with lysine, which is basic and polar, at codon 1391 of the SLX4 protein (p.Glu1391Lys). This variant has not been reported in the literature in individuals affected with SLX4-related conditions. Algorithms developed to predict the effect of missense changes on protein structure and function are either unavailable or do not agree on the potential impact of this missense change (SIFT: "Deleterious"; PolyPhen-2: "Possibly Damaging"; Align-GVGD: "Class C0"). In summary, the available evidence is currently insufficient to determine the role of this variant in disease. Therefore, it has been classified as a Variant of Uncertain Significance.